The following is an entry in ClinVar:

ClinVar aggregate classification (germline): Uncertain significance (1 of 4 stars; one submission).

gnomAD v4.1: 3 of 1,614,062 alleles (0.00019%); highest among the groups gnomAD compares: Admixed American, 0.0017%; no homozygotes.

Submission:

Ambry Genetics
Classification: Uncertain significance. Last evaluated: 2025-03-14. Review status: criteria provided, single submitter. Criteria: Ambry Variant Classification Scheme 2023. Collection method: clinical testing. Allele origin: germline.
Comment: The p.G301R variant (also known as c.901G>A), located in coding exon 6 of the PKP4 gene, results from a G to A substitution at nucleotide position 901. The glycine at codon 301 is replaced by arginine, an amino acid with dissimilar properties. This amino acid position is conserved. In addition, the in silico prediction for this alteration is inconclusive. Based on the available evidence, the clinical significance of this variant remains unclear.

NM_003628.6(PKP4):c.901G>A (p.Gly301Arg)

Gene: PKP4 (plakophilin 4; plus strand). Cytogenetic location: 2q24.1.
Variant type: single nucleotide variant.
Coding change: c.901G>A on transcript NM_003628.6 (MANE Select); coding-DNA position 901, G replaced by A.
Protein change: p.Gly301Arg; replaces glycine 301 with arginine.
Molecular consequence: missense variant. On other transcripts: 5 prime UTR variant (1).
Genome position (GRCh38, 1-based): chr2:158,625,175, G>A. VCF-style: chr2-158625175-G-A. GRCh37 (hg19) VCF-style: chr2-159481687-G-A.
Other names: c.901G>A, p.Gly301Arg (NM_001005476.4, NM_001304969.3, NM_001304971.2 and 6 more transcripts); c.-126G>A (NM_001304970.3); c.895G>A, p.Gly299Arg (NM_001377222.1, NM_001377223.1, NM_001377224.1); short protein forms G299R, G301R.
Identifiers: ClinVar variation 3889695 (VCV003889695.1).